The following is an entry in ClinVar:

ClinVar aggregate classification (germline): Conflicting classifications of pathogenicity. Review status: criteria provided, conflicting classifications (1 of 4 stars). 12 submissions from 12 submitters: Uncertain significance (2); Benign (2); Likely benign (7). 1 of the submissions does not count toward it. Last evaluated 2026-05-01.

Conditions:
CDKN1B-related disorder. Also called: CDKN1B-related condition.
Hereditary cancer-predisposing syndrome. Also called: Tumor predisposition; Neoplastic Syndromes, Hereditary; Hereditary Cancer Syndrome; Hereditary neoplastic syndrome. Identifiers: Orphanet 140162, MedGen C0027672, MeSH D009386, MONDO:0015356.
Primary hyperparathyroidism. Also called: Primary hyperparathyroidism (disease). Identifiers: MedGen C0221002, MONDO:0010837, HP:0008200.
Multiple endocrine neoplasia type 4. Also called: MULTIPLE ENDOCRINE NEOPLASIA, TYPE IV. Identifiers: Orphanet 276152, MedGen C1970712, MONDO:0012552, OMIM 610755.

Allele frequency attached by ClinVar (database versions not stated): TOPMed 0.00014; 1000 Genomes Project 0.00020; 1000 Genomes Project 30x 0.00031; ESP Exome Variant Server 0.00031.

Submissions (12):

CeGaT Center for Human Genetics Tuebingen
Classification: Likely benign. Last evaluated: 2026-05-01. Review status: criteria provided, single submitter. Criteria: CeGaT Center For Human Genetics Tuebingen Variant Classification Criteria Version 2. Collection method: clinical testing. Allele origin: germline. Affected: yes. Observed: 2 variant alleles.
Comment: CDKN1B: BP4, BS1

Labcorp Genetics (formerly Invitae), Labcorp
Classification: Benign for Multiple endocrine neoplasia type 4. Last evaluated: 2026-01-31. Review status: criteria provided, single submitter. Criteria: Invitae Variant Classification Sherloc (09022015). Collection method: clinical testing. Allele origin: germline.

Center for Genomic Medicine, Rigshospitalet, Copenhagen University Hospital
Classification: Uncertain significance. Last evaluated: 2025-03-04. Review status: criteria provided, single submitter. Criteria: ACMG Guidelines, 2015. Collection method: clinical testing. Allele origin: germline.

Blueprint Genetics
Classification: Likely benign. Last evaluated: 2024-11-08. Review status: criteria provided, single submitter. Criteria: ACMG Guidelines, 2015. Collection method: clinical testing. Allele origin: germline.

ARUP Laboratories, Molecular Genetics and Genomics, ARUP Laboratories
Classification: Likely benign for Multiple endocrine neoplasia type 4. Last evaluated: 2024-03-19. Review status: criteria provided, single submitter. Criteria: ARUP Molecular Germline Variant Investigation Process 2024. Collection method: clinical testing. Allele origin: germline.

Ambry Genetics
Classification: Benign for Hereditary cancer-predisposing syndrome. Last evaluated: 2022-07-18. Review status: criteria provided, single submitter. Criteria: Ambry Variant Classification Scheme 2023. Collection method: clinical testing. Allele origin: germline.

Sema4
Classification: Likely benign for Hereditary cancer-predisposing syndrome. Last evaluated: 2020-12-10. Review status: criteria provided, single submitter. Criteria: Sema4 Curation Guidelines. Collection method: curation. Allele origin: germline.

GeneDx
Classification: Likely benign. Last evaluated: 2019-07-05. Review status: criteria provided, single submitter. Criteria: GeneDx Variant Classification Process June 2021. Collection method: clinical testing. Allele origin: germline. Affected: yes.
Comment: See Variant Classification Assertion Criteria.

Illumina Laboratory Services, Illumina
Classification: Likely benign for Multiple endocrine neoplasia type 4. Last evaluated: 2017-04-27. Review status: criteria provided, single submitter. Criteria: ICSL Variant Classification Criteria 13 December 2019. Collection method: clinical testing. Allele origin: germline.
Comment: This variant was observed as part of a predisposition screen in an ostensibly healthy population. A literature search was performed for the gene, cDNA change, and amino acid change (where applicable). Publications were found based on this search. The evidence from the literature, in combination with allele frequency data from public databases where available, was sufficient to determine this variant is unlikely to cause disease. Therefore, this variant is classified as likely benign.

Genetic Services Laboratory, University of Chicago
Classification: Likely benign. Last evaluated: 2016-08-19. Review status: criteria provided, single submitter. Criteria: ACMG Guidelines, 2015. Collection method: clinical testing. Allele origin: germline. Affected: no.

Endocrine Unit 2, University Hospital of Pisa
Classification: Uncertain significance for Primary hyperparathyroidism. Last evaluated: 2015-01-01. Review status: criteria provided, single submitter. Criteria: ACMG Guidelines, 2015. Collection method: research, reference population. Allele origin: germline. Inheritance: Autosomal dominant inheritance. Affected: yes. Observed: 1 variant allele, 1 heterozygote.

PreventionGenetics, part of Exact Sciences
Classification: Likely benign for CDKN1B-related condition. Last evaluated: 2019-07-18. Review status: no assertion criteria provided. Collection method: clinical testing. Allele origin: germline. Not counted in ClinVar's aggregate classification.
Comment: This variant is classified as likely benign based on ACMG/AMP sequence variant interpretation guidelines (Richards et al. 2015 PMID: 25741868, with internal and published modifications).

Literature cited by the submitters: PubMed 21289244 (cited by Ambry Genetics and Illumina Laboratory Services, Illumina); PubMed 26762354 (cited by Ambry Genetics); PubMed 26989398 (cited by Ambry Genetics); PubMed 27038812 (cited by Ambry Genetics); PubMed 27153395 (cited by Ambry Genetics); PubMed 30990521 (cited by Ambry Genetics); PubMed 3328816 (cited by Ambry Genetics and Illumina Laboratory Services, Illumina).

NM_004064.5(CDKN1B):c.397C>A (p.Pro133Thr)

Gene: CDKN1B (cyclin dependent kinase inhibitor 1B; plus strand). Cytogenetic location: 12p13.1.
Variant type: single nucleotide variant.
Coding change: c.397C>A on transcript NM_004064.5 (MANE Select); coding-DNA position 397, C replaced by A.
Protein change: p.Pro133Thr; replaces proline 133 with threonine.
Molecular consequence: missense variant.
Genome position (GRCh38, 1-based): chr12:12,718,236, C>A. VCF-style: chr12-12718236-C-A. GRCh37 (hg19) VCF-style: chr12-12871170-C-A.
Other names: short protein forms P133T.
Identifiers: ClinVar variation 217127 (VCV000217127.35), dbSNP rs137985549, ClinGen allele CA352214.